The following is an entry in ClinVar:

ClinVar aggregate classification (germline): Uncertain significance. Review status: criteria provided, multiple submitters, no conflicts (2 of 4 stars). 2 submissions from 2 submitters: Uncertain significance (2). Last evaluated 2025-08-06.

Conditions:
Idiopathic generalized epilepsy. Also called: EIG; Generalised epilepsy. Identifiers: MedGen C0270850, MONDO:0005579, OMIM 600669.
Epilepsy, idiopathic generalized, susceptibility to, 13. Also called: EPILEPSY, JUVENILE MYOCLONIC, SUSCEPTIBILITY TO, 5. Identifiers: Orphanet 307, Orphanet 64280, MedGen C4013473, MONDO:0012627, OMIM 611136.
Epilepsy, childhood absence 4 (ECA4). Also called: EPILEPSY, CHILDHOOD ABSENCE, SUSCEPTIBILITY TO, 4. Identifiers: Orphanet 307, MedGen C1970160.

Submissions (2):

Labcorp Genetics (formerly Invitae), Labcorp
Classification: Uncertain significance for Epilepsy, childhood absence 4; Epilepsy, idiopathic generalized, susceptibility to, 13; Idiopathic generalized epilepsy. Last evaluated: 2025-08-06. Review status: criteria provided, single submitter. Criteria: Invitae Variant Classification Sherloc (09022015). Collection method: clinical testing. Allele origin: germline.
Comment: This sequence change replaces threonine, which is neutral and polar, with alanine, which is neutral and non-polar, at codon 264 of the GABRA1 protein (p.Thr264Ala). This variant is not present in population databases (gnomAD no frequency). This variant has not been reported in the literature in individuals affected with GABRA1-related conditions. ClinVar contains an entry for this variant (Variation ID: 2106557). Invitae Evidence Modeling of protein sequence and biophysical properties (such as structural, functional, and spatial information, amino acid conservation, physicochemical variation, residue mobility, and thermodynamic stability) indicates that this missense variant is expected to disrupt GABRA1 protein function with a positive predictive value of 80%. In summary, the available evidence is currently insufficient to determine the role of this variant in disease. Therefore, it has been classified as a Variant of Uncertain Significance.

GeneDx
Classification: Uncertain significance. Last evaluated: 2023-10-23. Review status: criteria provided, single submitter. Criteria: GeneDx Variant Classification Process June 2021. Collection method: clinical testing. Allele origin: germline. Affected: yes.
Comment: Not observed at significant frequency in large population cohorts (gnomAD); In silico analysis supports that this missense variant has a deleterious effect on protein structure/function; Has not been previously published as pathogenic or benign to our knowledge

NM_001127644.2(GABRA1):c.790A>G (p.Thr264Ala)

Gene: GABRA1 (gamma-aminobutyric acid type A receptor subunit alpha1; plus strand). Cytogenetic location: 5q34.
Variant type: single nucleotide variant.
Coding change: c.790A>G on transcript NM_001127644.2 (MANE Select); coding-DNA position 790, A replaced by G.
Protein change: p.Thr264Ala; replaces threonine 264 with alanine.
Molecular consequence: missense variant.
Genome position (GRCh38, 1-based): chr5:161,890,984, A>G. VCF-style: chr5-161890984-A-G. GRCh37 (hg19) VCF-style: chr5-161317990-A-G.
Other names: c.790A>G, p.Thr264Ala (NM_000806.5, NM_001127643.2, NM_001127645.2 and 1 more transcripts); short protein forms T264A.
Identifiers: ClinVar variation 2106557 (VCV002106557.5), dbSNP rs2532280418, ClinGen allele CA362179908.